The following continues an entry in ClinVar:

NM_170784.3(MKKS):c.110A>G (p.Tyr37Cys)

Gene: MKKS. ClinVar aggregate classification (germline): Pathogenic/Likely pathogenic. Pathogenic (14); Likely pathogenic (2).

Submissions 15 to 23 of 23:

Eurofins Ntd Llc (ga)
Classification: Pathogenic. Last evaluated: 2015-02-13. Review status: criteria provided, single submitter. Criteria: EGL Classification Definitions 2015. Collection method: clinical testing. Allele origin: germline. Observed: 2 variant alleles, 2 heterozygotes.

Kariminejad - Najmabadi Pathology & Genetics Center
Classification: Pathogenic for Bardet-Biedl syndrome 6. Review status: criteria provided, single submitter. Criteria: ACMG Guidelines, 2015. Collection method: clinical testing. Allele origin: germline. Affected: no.

Sydney Genome Diagnostics, Children's Hospital Westmead
Classification: Pathogenic for Nephronophthisis. Last evaluated: 2016-07-26. Review status: no assertion criteria provided. Collection method: clinical testing. Allele origin: unknown. Affected: yes. Observed: 1 variant allele, 1 compound heterozygote. Not counted in ClinVar's aggregate classification.
Comment: This variant is listed in the ExAC database with a very low allele frequency of 0.0058% (27 out of 121,342 alleles). It has been reported in the homozygous state in a patient with Bardet-Biedl syndrome (Bardet-Biedl syndrome) and in a compound heterozygous state with a patient with McKusick-Kaufman syndrome (Katsanis et al. 2000 Nat Genet 26: 67-70; Stone et al. 2000 Nat Genet 25: 79-82). In vitro studies found that the p.Tyr37Cys substitution led to decreased protein levels and resulted in structual instability (Hirayama et al. 2008 Mol Biol Cell 19: 899-911). This variant is considered to be pathogenic according to the ACMG guidelines.

OMIM
Classification: Pathogenic for MCKUSICK-KAUFMAN SYNDROME. Last evaluated: 2001-09-21. Review status: no assertion criteria provided. Collection method: literature only. Allele origin: germline. Not counted in ClinVar's aggregate classification.

OMIM
Classification: Pathogenic for BARDET-BIEDL SYNDROME 6. Last evaluated: 2001-09-21. Review status: no assertion criteria provided. Collection method: literature only. Allele origin: germline. Not counted in ClinVar's aggregate classification.

Clinical Genetics, Academic Medical Center
Classification: Pathogenic. Review status: no assertion criteria provided. Collection method: clinical testing. Allele origin: germline. Affected: yes. Study: VKGL Data-share Consensus. Not counted in ClinVar's aggregate classification.

Genome Diagnostics Laboratory, Amsterdam University Medical Center
Classification: Pathogenic. Review status: no assertion criteria provided. Collection method: clinical testing. Allele origin: germline. Affected: yes. Study: VKGL Data-share Consensus. Not counted in ClinVar's aggregate classification.

Genome Diagnostics Laboratory, University Medical Center Utrecht
Classification: Pathogenic. Review status: no assertion criteria provided. Collection method: clinical testing. Allele origin: germline. Affected: yes. Study: VKGL Data-share Consensus. Not counted in ClinVar's aggregate classification.

Joint Genome Diagnostic Labs from Nijmegen and Maastricht, Radboudumc and MUMC+
Classification: Pathogenic. Review status: no assertion criteria provided. Collection method: clinical testing. Allele origin: germline. Affected: yes. Study: VKGL Data-share Consensus. Not counted in ClinVar's aggregate classification.

Literature cited by the submitters: PubMed 10802661 (cited by 5 submitters); PubMed 18094050 (cited by 4 submitters); PubMed 20498079 (cited by Labcorp Genetics (formerly Invitae), Labcorp and Ambry Genetics); PubMed 10973251 (cited by 4 submitters); PubMed 21209035 (cited by Women's Health and Genetics/Laboratory Corporation of America, LabCorp); PubMed 20226561 (cited by Women's Health and Genetics/Laboratory Corporation of America, LabCorp); PubMed 20177705 (cited by Ambry Genetics); PubMed 25982971 (cited by Ambry Genetics); PubMed 11567139 (cited by OMIM).